The following is an entry in ClinVar:

NM_000152.5(GAA):c.265C>G (p.Arg89Gly)

Gene: GAA (alpha glucosidase; plus strand). Cytogenetic location: 17q25.3.
Variant type: single nucleotide variant.
Coding change: c.265C>G on transcript NM_000152.5 (MANE Select); coding-DNA position 265, C replaced by G.
Protein change: p.Arg89Gly; replaces arginine 89 with glycine.
Molecular consequence: missense variant.
Genome position (GRCh38, 1-based): chr17:80,104,851, C>G. VCF-style: chr17-80104851-C-G. GRCh37 (hg19) VCF-style: chr17-78078650-C-G.
Other names: c.265C>G, p.Arg89Gly (NM_001079803.3, NM_001079804.3, NM_001406741.1 and 1 more transcripts); short protein forms R89G.
Identifiers: ClinVar variation 4536122 (VCV004536122.1).
Genomic context (GRCh38, chr17:80,104,851, plus strand): 5'-CAGGCACACCCCGGCCGTCCCAGAGCAGTGCCCACACAGTGCGACGTCCCCCCCAACAGC[C>G]GCTTCGATTGCGCCCCTGACAAGGCCATCACCCAGGAACAGTGCGAGGCCCGCGGCTGTT-3'
Protein context (NP_000143.2, residues 79-99): PTQCDVPPNS[Arg89Gly]FDCAPDKAIT

ClinVar aggregate classification (germline): Uncertain significance (1 of 4 stars; one submission).

Submission:

Women's Health and Genetics/Laboratory Corporation of America, LabCorp
Classification: Uncertain significance. Last evaluated: 2025-09-12. Review status: criteria provided, single submitter. Criteria: LabCorp Variant Classification Summary - May 2015. Collection method: clinical testing. Allele origin: germline.
Comment: Variant summary: GAA c.265C>G (p.Arg89Gly) results in a non-conservative amino acid change in the encoded protein sequence. Algorithms developed to predict the effect of missense changes on protein structure and function all suggest that this variant is likely to be disruptive. The variant was absent in 248200 control chromosomes. The available data on variant occurrences in the general population are insufficient to allow any conclusion about variant significance. To our knowledge, no occurrence of c.265C>G in individuals affected with GAA-related conditions and no experimental evidence demonstrating its impact on protein function have been reported. No submitters have cited clinical-significance assessments for this variant to ClinVar. Based on the evidence outlined above, the variant was classified as uncertain significance.